The following is an entry in ClinVar:

ClinVar aggregate classification (germline): Pathogenic (1 of 4 stars; one submission).

Conditions:
Spastic paraplegia. Identifiers: MedGen C0037772, HP:0001258.

Submission:

Labcorp Genetics (formerly Invitae), Labcorp
Classification: Pathogenic for Spastic paraplegia. Last evaluated: 2024-11-27. Review status: criteria provided, single submitter. Criteria: Invitae Variant Classification Sherloc (09022015). Collection method: clinical testing. Allele origin: germline.
Comment: This sequence change creates a premature translational stop signal (p.Gly88Alafs*24) in the B4GALNT1 gene. It is expected to result in an absent or disrupted protein product. Loss-of-function variants in B4GALNT1 are known to be pathogenic (PMID: 23746551). The frequency data for this variant in the population databases is considered unreliable, as metrics indicate poor data quality at this position in the gnomAD database. This variant has not been reported in the literature in individuals affected with B4GALNT1-related conditions. ClinVar contains an entry for this variant (Variation ID: 1451812). For these reasons, this variant has been classified as Pathogenic.

Literature cited by the submitters: PubMed 23746551.

NM_001478.5(B4GALNT1):c.263del (p.Gly88fs)

Gene: B4GALNT1 (beta-1,4-N-acetyl-galactosaminyltransferase 1; minus strand). Cytogenetic location: 12q13.3.
Variant type: Deletion.
Coding change: c.263del on transcript NM_001478.5 (MANE Select); coding-DNA position 263, one base deleted (G; older notation c.263delG).
Protein change: p.Gly88fs; shifts the reading frame from glycine 88.
Molecular consequence: frameshift variant. On other transcripts: intron variant (1).
Genome position (GRCh38, 1-based): chr12:57,631,320, C deleted on the plus strand (G on the coding strand, the reverse complement: B4GALNT1 is on the minus strand); the first of 8 consecutive C bases (chr12:57,631,320-57,631,327); deleting any one gives the same sequence. VCF-style (leftmost placement, unchanged base first): chr12-57631319-GC-G. GRCh37 (hg19) VCF-style: chr12-58025102-GC-G.
Other names: c.263del, p.Gly88fs (NM_001276469.2); c.219-234del (NM_001276468.2); short protein forms G88fs.
Identifiers: ClinVar variation 1451812 (VCV001451812.6), dbSNP rs745744124, ClinGen allele CA6655838.